The following is an entry in ClinVar:

ClinVar aggregate classification (germline): Pathogenic. Review status: criteria provided, multiple submitters, no conflicts (2 of 4 stars). 3 submissions from 3 submitters: Pathogenic (3). Last evaluated 2023-08-11.

Conditions:
Hereditary cancer-predisposing syndrome. Also called: Tumor predisposition; Hereditary neoplastic syndrome; Neoplastic Syndromes, Hereditary; Hereditary Cancer Syndrome. Identifiers: Orphanet 140162, MedGen C0027672, MeSH D009386, MONDO:0015356.
Ataxia-telangiectasia syndrome (AT). Also called: Ataxia-telangiectasia, complementation group D; AT, COMPLEMENTATION GROUP C; ATAXIA-TELANGIECTASIA, COMPLEMENTATION GROUP A; ATAXIA-TELANGIECTASIA, FRESNO VARIANT; Ataxia-telangiectasia; LOUIS-BAR SYNDROME. Identifiers: Orphanet 100, MedGen C0004135, MONDO:0008840, OMIM 208900.

Allele frequency attached by ClinVar (database versions not stated): gnomAD exomes below 0.00001; ExAC 0.00001.
gnomAD v4.1: 1 of 1,613,972 alleles (0.000062%); highest among the groups gnomAD compares: East Asian, 0.0022%; no homozygotes.

Submissions (3):

Labcorp Genetics (formerly Invitae), Labcorp
Classification: Pathogenic for Ataxia-telangiectasia syndrome. Last evaluated: 2023-08-11. Review status: criteria provided, single submitter. Criteria: Invitae Variant Classification Sherloc (09022015). Collection method: clinical testing. Allele origin: germline.
Comment: For these reasons, this variant has been classified as Pathogenic. Algorithms developed to predict the effect of sequence changes on RNA splicing suggest that this variant may disrupt the consensus splice site. ClinVar contains an entry for this variant (Variation ID: 627897). This variant has not been reported in the literature in individuals affected with ATM-related conditions. This variant is present in population databases (rs751574257, gnomAD 0.006%). This sequence change creates a premature translational stop signal (p.Gln2762*) in the ATM gene. It is expected to result in an absent or disrupted protein product. Loss-of-function variants in ATM are known to be pathogenic (PMID: 23807571, 25614872).

Color Diagnostics, LLC DBA Color Health
Classification: Pathogenic for Hereditary cancer-predisposing syndrome. Last evaluated: 2020-02-26. Review status: criteria provided, single submitter. Criteria: ACMG Guidelines, 2015. Collection method: clinical testing. Allele origin: germline.
Comment: This variant changes 1 nucleotide in exon 57 of the ATM gene, creating a premature translation stop signal. This variant is expected to result in an absent or non-functional protein product. To our knowledge, this variant has not been reported in individuals affected with hereditary cancer in the literature. This variant has been identified in 1/251382 chromosomes in the general population by the Genome Aggregation Database (gnomAD). Loss of ATM function is a known mechanism of disease. Based on the available evidence, this variant is classified as Pathogenic.

Ambry Genetics
Classification: Pathogenic for Hereditary cancer-predisposing syndrome. Last evaluated: 2020-02-13. Review status: criteria provided, single submitter. Criteria: Ambry Variant Classification Scheme 2023. Collection method: clinical testing. Allele origin: germline.
Comment: The p.Q2762* pathogenic mutation (also known as c.8284C>T), located in coding exon 56 of the ATM gene, results from a C to T substitution at nucleotide position 8284. This changes the amino acid from a glutamine to a stop codon within coding exon 56. One study detected this mutation in 0/3030 pancreatic cancer cases, 1/123136 controls from the gnomAD database and 1/53105 controls from the ExAC database (Hu C et al. JAMA, 2018 06;319:2401-2409). In addition to the clinical data presented in the literature, this alteration is expected to result in loss of function by premature protein truncation or nonsense-mediated mRNA decay. As such, this alteration is interpreted as a disease-causing mutation.

Literature cited by the submitters: PubMed 23807571 (cited by Labcorp Genetics (formerly Invitae), Labcorp); PubMed 25614872 (cited by Labcorp Genetics (formerly Invitae), Labcorp); PubMed 29922827 (cited by Ambry Genetics).

NM_000051.4(ATM):c.8284C>T (p.Gln2762Ter)

Genes: ATM (ATM serine/threonine kinase; plus strand), C11orf65 (chromosome 11 open reading frame 65; minus strand). Cytogenetic location: 11q22.3.
Variant type: single nucleotide variant.
Coding change: c.8284C>T on transcript NM_000051.4 (MANE Select); coding-DNA position 8284, C replaced by T.
Protein change: p.Gln2762Ter; replaces glutamine 2762 with a stop codon.
Molecular consequence: nonsense. On other transcripts: intron variant (2).
Genome position (GRCh38, 1-based): chr11:108,343,237, C>T. VCF-style: chr11-108343237-C-T. GRCh37 (hg19) VCF-style: chr11-108213964-C-T.
Other names: c.8284C>T, p.Gln2762Ter (NM_001351834.2); c.641-34166G>A (NM_001330368.2); c.695-7945G>A (NM_001351110.2); short protein forms Q2762*.
Identifiers: ClinVar variation 627897 (VCV000627897.13), dbSNP rs751574257, ClinGen allele CA6266345.